The following is an entry in ClinVar:

ClinVar aggregate classification (germline): Conflicting classifications of pathogenicity. Review status: criteria provided, conflicting classifications (1 of 4 stars). 2 submissions from 2 submitters: Pathogenic (1); Uncertain significance (1). Last evaluated 2023-01-21.

Conditions:
Cataract 1 multiple types. Also called: CATARACT 1, NUCLEAR PROGRESSIVE; CATARACT 1 WITH MICROCORNEA; CATARACT, DUFFY-LINKED; CATARACT 1, POSTERIOR SUBCAPSULAR, WITH MICROCORNEA; CATARACT 1, STELLATE NUCLEAR, WITH MICROCORNEA; CATARACT 1, MULTIPLE TYPES, WITH OR WITHOUT MICROCORNEA. Identifiers: Orphanet 1377, MedGen C1861828, MONDO:0007285, OMIM 116200.

Submissions (2):

Dept. Genetics and Cancer, Menzies Institute for Medical Research, University of Tasmania
Classification: Uncertain significance for Cataract 1 multiple types. Last evaluated: 2023-01-21. Review status: criteria provided, single submitter. Criteria: ACMG Guidelines, 2015. Collection method: curation. Allele origin: germline. Affected: yes.
Comment: Variant identified and curated during a GJA8 specific review of the literature in relation to pediatric or congenital cataract. ACMG-AMP criteria applied: PP1(Moderate), PM2(Supporting). Original variant report: PMID:25947639. The cataract phenotype reported for this variant is: Pulverulent nuclear. Gene review and curation guidelines are outlined in: DOI 10.1080/17469899.2023.2160320

CeGaT Center for Human Genetics Tuebingen
Classification: Pathogenic. Last evaluated: 2019-10-01. Review status: criteria provided, single submitter. Criteria: CeGaT Center For Human Genetics Tuebingen Variant Classification Criteria Version 2. Collection method: clinical testing. Allele origin: germline. Affected: yes. Observed: 1 variant allele.

Literature cited by the submitters: PubMed 25947639 (cited by Dept. Genetics and Cancer, Menzies Institute for Medical Research, University of Tasmania).

NM_005267.5(GJA8):c.829C>T (p.His277Tyr)

Gene: GJA8 (gap junction protein alpha 8; plus strand). Cytogenetic location: 1q21.2.
Variant type: single nucleotide variant.
Coding change: c.829C>T on transcript NM_005267.5 (MANE Select); coding-DNA position 829, C replaced by T.
Protein change: p.His277Tyr; replaces histidine 277 with tyrosine.
Molecular consequence: missense variant.
Genome position (GRCh38, 1-based): chr1:147,908,784, C>T. VCF-style: chr1-147908784-C-T. GRCh37 (hg19) VCF-style: chr1-147380911-C-T.
Other names: short protein forms H277Y.
Identifiers: ClinVar variation 872438 (VCV000872438.42), dbSNP rs1651940183, ClinGen allele CA342225889.